The following is an entry in ClinVar:

NM_004640.7(DDX39B):c.1170del (p.Phe390fs)

Genes: ATP6V1G2-DDX39B (ATP6V1G2-DDX39B readthrough (NMD candidate); minus strand), DDX39B (DExD-box helicase 39B; minus strand). Cytogenetic location: 6p21.33.
Variant type: Deletion.
Coding change: c.1170del on transcript NM_004640.7 (MANE Select); coding-DNA position 1170, one base deleted (T; older notation c.1170delT).
Protein change: p.Phe390fs; shifts the reading frame from phenylalanine 390.
Molecular consequence: frameshift variant. On other transcripts: non-coding transcript variant (2).
Genome position (GRCh38, 1-based): chr6:31,530,879, A deleted on the plus strand (T on the coding strand, the reverse complement: DDX39B is on the minus strand); the first of 3 consecutive A bases (chr6:31,530,879-31,530,881); deleting any one gives the same sequence. VCF-style (leftmost placement, unchanged base first): chr6-31530878-CA-C. GRCh37 (hg19) VCF-style: chr6-31498655-CA-C.
Other names: c.1170del, p.Phe390fs (NM_080598.6); short protein forms F390fs.
Identifiers: ClinVar variation 3769844 (VCV003769844.1).

ClinVar aggregate classification (germline): Uncertain significance (1 of 4 stars; one submission).

Submission:

GeneDx
Classification: Uncertain significance. Last evaluated: 2022-02-20. Review status: criteria provided, single submitter. Criteria: GeneDx Variant Classification Process June 2021. Collection method: clinical testing. Allele origin: germline. Affected: yes.
Comment: Not observed at significant frequency in large population cohorts (gnomAD); Frameshift variant predicted to result in protein truncation as the last 39 amino acids are replaced with 28 different amino acids, although loss-of-function variants have not been reported downstream of this position in the protein; Has not been previously published as pathogenic or benign to our knowledge; Variants in candidate genes are classified as variants of uncertain significance in accordance with ACMG guidelines (Richards et al., 2015)